The following is an entry in ClinVar:

NM_001367916.1(MAGT1):c.753G>A (p.Thr251=)

Gene: MAGT1 (magnesium transporter 1; minus strand). Cytogenetic location: Xq21.1.
Variant type: single nucleotide variant.
Coding change: c.753G>A on transcript NM_001367916.1 (MANE Select); coding-DNA position 753, G replaced by A.
Protein change: p.Thr251=; no amino-acid change (threonine 251 retained).
Molecular consequence: synonymous variant.
Genome position (GRCh38, 1-based): chrX:77,855,510, C>T on the plus strand (G>A on the coding strand, the complement: MAGT1 is on the minus strand). VCF-style: chrX-77855510-C-T. GRCh37 (hg19) VCF-style: chrX-77111007-C-T.
Other names: c.849G>A, p.Thr283= (NM_032121.5).
Identifiers: ClinVar variation 1045158 (VCV001045158.7), dbSNP rs374493047, ClinGen allele CA10458476.
Genomic context (GRCh38, chrX:77,855,510, plus strand): 5'-CATTGAGTTAACTTTGGTCTACAAAGGAAAGAAATCCCAGACTTCCCTTACCACATGTCC[C>T]GTGTGGGGATTCTTATGGGCATATGGTGGTCCTCTTATATGGTTCCACATTTGACCAGAT-3'
Protein context (NP_001354845.1, residues 241-261): GPPYAHKNPH[Thr251=]GHVNYIHGSS

ClinVar aggregate classification (germline): Likely benign. Review status: criteria provided, single submitter (1 of 4 stars). 2 submissions from 2 submitters: Likely benign (1). 1 of the submissions does not count toward it. Last evaluated 2025-05-14.

Conditions:
MAGT1-related disorder. Also called: MAGT1-related condition.
X-linked immunodeficiency with magnesium defect, Epstein-Barr virus infection and neoplasia. Identifiers: Orphanet 317476, MedGen C3275445, MONDO:0010455, OMIM 300853.

Allele frequency attached by ClinVar (database versions not stated): ExAC 0.00001; gnomAD exomes 0.00001; gnomAD 0.00002; TOPMed 0.00006; ESP Exome Variant Server 0.00009.
gnomAD v4.1: 11 of 1,197,849 alleles (0.00092%); highest among the groups gnomAD compares: African/African-American, 0.014%; no homozygotes.

Submissions (2):

Labcorp Genetics (formerly Invitae), Labcorp
Classification: Likely benign for X-linked immunodeficiency with magnesium defect, Epstein-Barr virus infection and neoplasia. Last evaluated: 2025-05-14. Review status: criteria provided, single submitter. Criteria: Invitae Variant Classification Sherloc (09022015). Collection method: clinical testing. Allele origin: germline.

PreventionGenetics, part of Exact Sciences
Classification: Likely benign for MAGT1-related condition. Last evaluated: 2020-03-03. Review status: no assertion criteria provided. Collection method: clinical testing. Allele origin: germline. Not counted in ClinVar's aggregate classification.
Comment: This variant is classified as likely benign based on ACMG/AMP sequence variant interpretation guidelines (Richards et al. 2015 PMID: 25741868, with internal and published modifications).